The following is an entry in ClinVar:

NM_000531.6(OTC):c.976G>A (p.Glu326Lys)

Gene: OTC (ornithine transcarbamylase; plus strand). Cytogenetic location: Xp11.4.
Variant type: single nucleotide variant.
Coding change: c.976G>A on transcript NM_000531.6 (MANE Select); coding-DNA position 976, G replaced by A.
Protein change: p.Glu326Lys; replaces glutamic acid 326 with lysine.
Molecular consequence: missense variant.
Genome position (GRCh38, 1-based): chrX:38,411,970, G>A. VCF-style: chrX-38411970-G-A. GRCh37 (hg19) VCF-style: chrX-38271223-G-A.
Other names: short protein forms E326K.
Identifiers: ClinVar variation 97374 (VCV000097374.8), dbSNP rs72558476, ClinGen allele CA224861.

ClinVar aggregate classification (germline): Uncertain significance. Review status: criteria provided, single submitter (1 of 4 stars). 2 submissions from 2 submitters: Uncertain significance (1). 1 of the submissions does not count toward it. Last evaluated 2021-06-13.

Conditions:
Ornithine carbamoyltransferase deficiency (OTCD). Also called: ORNITHINE TRANSCARBAMYLASE DEFICIENCY, HYPERAMMONEMIA DUE TO; ORNITHINE TRANSCARBAMYLASE DEFICIENCY; OTC DEFICIENCY; Ornithine Carbamoyltransferase Deficiency Disease. Identifiers: Orphanet 664, MedGen C0268542, MONDO:0010703, OMIM 311250.

Submissions (2):

Labcorp Genetics (formerly Invitae), Labcorp
Classification: Uncertain significance for Ornithine carbamoyltransferase deficiency. Last evaluated: 2021-06-13. Review status: criteria provided, single submitter. Criteria: Invitae Variant Classification Sherloc (09022015). Collection method: clinical testing. Allele origin: germline.
Comment: In summary, the available evidence is currently insufficient to determine the role of this variant in disease. Therefore, it has been classified as a Variant of Uncertain Significance. Advanced modeling of protein sequence and biophysical properties (such as structural, functional, and spatial information, amino acid conservation, physicochemical variation, residue mobility, and thermodynamic stability) performed at Invitae indicates that this missense variant is expected to disrupt OTC protein function. This variant has been observed in individual(s) with X-linked ornithine transcarbamylase deficiency (PMID: 10070627). ClinVar contains an entry for this variant (Variation ID: 97374). This variant is not present in population databases (ExAC no frequency). This sequence change replaces glutamic acid with lysine at codon 326 of the OTC protein (p.Glu326Lys). The glutamic acid residue is highly conserved and there is a small physicochemical difference between glutamic acid and lysine.

GenMed Metabolism Lab
Classification: Pathogenic. Review status: no assertion criteria provided. Collection method: not provided. Allele origin: unknown. Not counted in ClinVar's aggregate classification.
ClinVar note: Converted during submission from pathogenic to Pathogenic.

Literature cited by the submitters: PubMed 10070627 (cited by Labcorp Genetics (formerly Invitae), Labcorp).